The following is an entry in ClinVar:

NM_001080421.3(UNC13A):c.487C>G (p.Gln163Glu)

Gene: UNC13A (unc-13 homolog A; minus strand). Cytogenetic location: 19p13.11.
Variant type: single nucleotide variant.
Coding change: c.487C>G on transcript NM_001080421.3 (MANE Select); coding-DNA position 487, C replaced by G.
Protein change: p.Gln163Glu; replaces glutamine 163 with glutamic acid.
Molecular consequence: missense variant.
Genome position (GRCh38, 1-based): chr19:17,666,686, G>C on the plus strand (C>G on the coding strand, the complement: UNC13A is on the minus strand). VCF-style: chr19-17666686-G-C. GRCh37 (hg19) VCF-style: chr19-17777495-G-C.
Other names: c.487C>G, p.Gln163Glu (NM_001387021.1, NM_001387022.1, NM_001387023.1); short protein forms Q163E.
Identifiers: ClinVar variation 5020148 (VCV005020148.1).

ClinVar aggregate classification (germline): Uncertain significance (1 of 4 stars; one submission).

Submission:

Dasa
Classification: Uncertain significance. Last evaluated: 2026-07-23. Review status: criteria provided, single submitter. Criteria: DASA Assertion Criteria. Collection method: clinical testing. Allele origin: germline.
Comment: NM_001080421.3(UNC13A):c.487C>G (p.Gln163Glu) is a missense variant that results in the substitution of glutamine with glutamic acid. This variant is absent from population databases. The currently available literature and clinical evidence are not sufficient to establish a definitive association between this variant and the reported condition. Therefore, this variant is classified as a variant of uncertain significance.